The following is an entry in ClinVar:

ClinVar aggregate classification (germline): Conflicting classifications of pathogenicity. Review status: criteria provided, conflicting classifications (1 of 4 stars). 5 submissions from 5 submitters: Uncertain significance (1); Likely benign (2). 2 of the submissions do not count toward it. Last evaluated 2026-01-31.

Conditions:
Nemaline myopathy 2 (NEM2). Also called: Nemaline myopathy 2, autosomal recessive. Identifiers: MedGen C1850569, MONDO:0009725, OMIM 256030.
NEB-related disorder. Also called: NEB-Related Disorders; NEB-related condition.

Allele frequency attached by ClinVar (database versions not stated): gnomAD exomes 0.00005 and 0.00013; ExAC 0.00017; ESP Exome Variant Server 0.00051; gnomAD 0.00070 and 0.00077; TOPMed 0.00090.
gnomAD v4.1: 187 of 1,609,674 alleles (0.012%); highest among the groups gnomAD compares: African/African-American, 0.21%; no homozygotes.

Submissions (5):

Labcorp Genetics (formerly Invitae), Labcorp
Classification: Likely benign for Nemaline myopathy 2. Last evaluated: 2026-01-31. Review status: criteria provided, single submitter. Criteria: Invitae Variant Classification Sherloc (09022015). Collection method: clinical testing. Allele origin: germline.

GeneDx
Classification: Likely benign. Last evaluated: 2021-06-07. Review status: criteria provided, single submitter. Criteria: GeneDx Variant Classification Process June 2021. Collection method: clinical testing. Allele origin: germline. Affected: yes.
Comment: Located in a region that tolerates variation and lacks pathogenic variants; Has not been previously published as pathogenic or benign to our knowledge; In-silico analysis, which includes splice predictors and evolutionary conservation, is inconclusive as to whether the variant alters gene splicing. In the absence of RNA/functional studies, the actual effect of this sequence change is unknown

Eurofins Ntd Llc (ga)
Classification: Uncertain significance. Last evaluated: 2016-10-21. Review status: criteria provided, single submitter. Criteria: EGL Classification Definitions 2015. Collection method: clinical testing. Allele origin: germline. Observed: 1 variant allele, 1 heterozygote.

PreventionGenetics, part of Exact Sciences
Classification: Likely benign for NEB-related condition. Last evaluated: 2021-01-20. Review status: no assertion criteria provided. Collection method: clinical testing. Allele origin: germline. Not counted in ClinVar's aggregate classification.
Comment: This variant is classified as likely benign based on ACMG/AMP sequence variant interpretation guidelines (Richards et al. 2015 PMID: 25741868, with internal and published modifications).

Natera, Inc.
Classification: Uncertain significance for Nemaline myopathy type 2. Last evaluated: 2020-01-17. Review status: no assertion criteria provided. Collection method: clinical testing. Allele origin: germline. Not counted in ClinVar's aggregate classification.

NM_001164508.2(NEB):c.1258-7C>G

Gene: NEB (nebulin; minus strand). Cytogenetic location: 2q23.3.
Variant type: single nucleotide variant.
Coding change: c.1258-7C>G on transcript NM_001164508.2 (MANE Select); 7 bases into the intron before coding-DNA position 1258, C replaced by G.
Molecular consequence: intron variant.
Genome position (GRCh38, 1-based): chr2:151,697,464, G>C on the plus strand (C>G on the coding strand, the complement: NEB is on the minus strand). VCF-style: chr2-151697464-G-C. GRCh37 (hg19) VCF-style: chr2-152553978-G-C.
Other names: c.1258-7C>G (NM_004543.5, NM_001164507.2, NM_001271208.2).
Identifiers: ClinVar variation 430193 (VCV000430193.23), dbSNP rs371265681, ClinGen allele CA1911628.